The following is an entry in ClinVar:

ClinVar aggregate classification (germline): Benign. Review status: criteria provided, multiple submitters, no conflicts (2 of 4 stars). 2 submissions from 2 submitters: Benign (2). Last evaluated 2018-06-14.

Allele frequency attached by ClinVar (database versions not stated): 1000 Genomes Project 0.04673; 1000 Genomes Project 30x 0.04794; gnomAD 0.04834 and 0.04905; TOPMed 0.05196.
gnomAD v4.1: 7,357 of 152,284 alleles (4.8%); highest among the groups gnomAD compares: African/African-American, 7.9%; 219 homozygotes.

Submissions (2):

GeneDx
Classification: Benign. Last evaluated: 2018-06-14. Review status: criteria provided, single submitter. Criteria: GeneDx Variant Classification (06012015). Collection method: clinical testing. Allele origin: germline. Affected: yes.
Comment: This variant is considered likely benign or benign based on one or more of the following criteria: it is a conservative change, it occurs at a poorly conserved position in the protein, it is predicted to be benign by multiple in silico algorithms, and/or has population frequency not consistent with disease.

Breakthrough Genomics
Classification: Benign. Review status: criteria provided, single submitter. Criteria: ACMG Guidelines, 2015. Collection method: not provided. Allele origin: germline. Inheritance: Autosomal recessive inheritance. Affected: yes.

NM_133642.5(LARGE1):c.788-181G>A

Gene: LARGE1 (LARGE xylosyl- and glucuronyltransferase 1; minus strand). Cytogenetic location: 22q12.3.
Variant type: single nucleotide variant.
Coding change: c.788-181G>A on transcript NM_133642.5 (MANE Select); 181 bases into the intron before coding-DNA position 788, G replaced by A.
Molecular consequence: intron variant.
Genome position (GRCh38, 1-based): chr22:33,432,446, C>T on the plus strand (G>A on the coding strand, the complement: LARGE1 is on the minus strand). VCF-style: chr22-33432446-C-T. GRCh37 (hg19) VCF-style: chr22-33828432-C-T.
Other names: c.788-181G>A (NM_001362953.2, NM_001362949.2, NM_001378627.1 and 7 more transcripts); c.185-181G>A (NM_001378631.1, NM_001378630.1).
Identifiers: ClinVar variation 670678 (VCV000670678.2), dbSNP rs73166278, ClinGen allele CA323727594.